The following is an entry in ClinVar:

NM_001346022.3(USP45):c.1523C>G (p.Ser508Ter)

Gene: USP45 (ubiquitin specific peptidase 45; minus strand). Cytogenetic location: 6q16.2.
Variant type: single nucleotide variant.
Coding change: c.1523C>G on transcript NM_001346022.3 (MANE Select); coding-DNA position 1523, C replaced by G.
Protein change: p.Ser508Ter; replaces serine 508 with a stop codon.
Molecular consequence: nonsense. On other transcripts: non-coding transcript variant (2).
Genome position (GRCh38, 1-based): chr6:99,446,249, G>C on the plus strand (C>G on the coding strand, the complement: USP45 is on the minus strand). VCF-style: chr6-99446249-G-C. GRCh37 (hg19) VCF-style: chr6-99894125-G-C.
Other names: c.1523C>G, p.Ser508Ter (NM_001346026.3, NM_001080481.3, NM_001346021.3); c.443C>G, p.Ser148Ter (NM_001346027.3, NM_001346028.3, NM_001346029.3); c.1520C>G, p.Ser507Ter (NM_001346023.3); c.1349C>G, p.Ser450Ter (NM_001346024.3); c.1346C>G, p.Ser449Ter (NM_001346025.3); short protein forms S148*, S449*, S450*, S507*, S508*.
Identifiers: ClinVar variation 4853954 (VCV004853954.1).

ClinVar aggregate classification (germline): Pathogenic (1 of 4 stars; one submission).

Conditions:
Leber congenital amaurosis 19. Identifiers: MedGen C5193139, MONDO:0032794, OMIM 618513.

Submission:

3billion
Classification: Pathogenic for Leber congenital amaurosis 19. Last evaluated: 2025-12-12. Review status: criteria provided, single submitter. Criteria: ACMG Guidelines, 2015. Collection method: clinical testing. Allele origin: germline. Affected: yes.
Comment: The variant is not observed in the gnomAD v4.1.0 dataset. Predicted Consequence/Location: Stop-gained (nonsense): predicted to result in a loss or disruption of normal protein function through nonsense-mediated decay (NMD) or protein truncation. Multiple pathogenic variants are reported downstream of the variant. Therefore, this variant is classified as Pathogenic according to the recommendation of ACMG/AMP guideline.